The following is an entry in ClinVar:

NM_006372.5(SYNCRIP):c.233A>G (p.Gln78Arg)

Gene: SYNCRIP (synaptotagmin binding cytoplasmic RNA interacting protein; minus strand). Cytogenetic location: 6q14.3.
Variant type: single nucleotide variant.
Coding change: c.233A>G on transcript NM_006372.5 (MANE Select); coding-DNA position 233, A replaced by G.
Protein change: p.Gln78Arg; replaces glutamine 78 with arginine.
Molecular consequence: missense variant. On other transcripts: 5 prime UTR variant (3).
Genome position (GRCh38, 1-based): chr6:85,640,480, T>C on the plus strand (A>G on the coding strand, the complement: SYNCRIP is on the minus strand). VCF-style: chr6-85640480-T-C. GRCh37 (hg19) VCF-style: chr6-86350198-T-C.
Other names: c.-62A>G (NM_001159673.2, NM_001410938.1); c.233A>G, p.Gln78Arg (NM_001159674.2, NM_001159675.2, NM_001159676.2 and 1 more transcripts); c.-198A>G (NM_001253771.2); short protein forms Q78R.
Identifiers: ClinVar variation 3381701 (VCV003381701.1).
Genomic context (GRCh38, chr6:85,640,480, plus strand): 5'-AATTTTCACATTGACATTAACATTACCTGAACATGAGAGAGATCACTGTCTTTAAACTGT[T>C]GAAGAACTGCCAATGCACCGTCTTCATTGAATTCTTTTAAAGCTTCAATAGCTCTTTCAT-3'
Protein context (NP_006363.4, residues 68-88): FNEDGALAVL[Gln78Arg]QFKDSDLSHV

ClinVar aggregate classification (germline): Uncertain significance (1 of 4 stars; one submission).

Submission:

GeneDx
Classification: Uncertain significance. Last evaluated: 2024-05-20. Review status: criteria provided, single submitter. Criteria: GeneDx Variant Classification Process June 2021. Collection method: clinical testing. Allele origin: germline. Affected: yes.
Comment: Not observed at significant frequency in large population cohorts (gnomAD); In silico analysis indicates that this missense variant does not alter protein structure/function; Reported using an alternate transcript of the gene; Has not been previously published as pathogenic or benign to our knowledge